The following is an entry in ClinVar:

NM_153717.3(EVC):c.1777G>A (p.Val593Met)

Gene: EVC (EvC ciliary complex subunit 1; plus strand). Cytogenetic location: 4p16.2.
Variant type: single nucleotide variant.
Coding change: c.1777G>A on transcript NM_153717.3 (MANE Select); coding-DNA position 1777, G replaced by A.
Protein change: p.Val593Met; replaces valine 593 with methionine.
Molecular consequence: missense variant.
Genome position (GRCh38, 1-based): chr4:5,793,608, G>A. VCF-style: chr4-5793608-G-A. GRCh37 (hg19) VCF-style: chr4-5795335-G-A.
Other names: c.1777G>A, p.Val593Met (NM_001306090.2); short protein forms V593M.
Identifiers: ClinVar variation 811749 (VCV000811749.15), dbSNP rs150535483, ClinGen allele CA2836269.

ClinVar aggregate classification (germline): Uncertain significance. Review status: criteria provided, multiple submitters, no conflicts (2 of 4 stars). 4 submissions from 4 submitters: Uncertain significance (3). 1 of the submissions does not count toward it. Last evaluated 2022-07-05.

Conditions:
Ellis-van Creveld syndrome (EVC). Also called: MESOECTODERMAL DYSPLASIA; Chondroectodermal dysplasia. Identifiers: Orphanet 289, MedGen C0013903, MONDO:0009162, OMIM 225500.
Curry-Hall syndrome (WAD). Also called: WEYERS ACRODENTAL DYSOSTOSIS. Identifiers: Orphanet 952, MedGen C0457013, MONDO:0008673, OMIM 193530.

Allele frequency attached by ClinVar (database versions not stated): gnomAD exomes 0.00002 and 0.00004; ExAC 0.00010; gnomAD 0.00012 and 0.00014; TOPMed 0.00012; ESP Exome Variant Server 0.00024.
gnomAD v4.1: 44 of 1,551,664 alleles (0.0028%); highest among the groups gnomAD compares: African/African-American, 0.055%; no homozygotes.

Submissions (4):

Labcorp Genetics (formerly Invitae), Labcorp
Classification: Uncertain significance for Curry-Hall syndrome; Ellis-van Creveld syndrome. Last evaluated: 2022-07-05. Review status: criteria provided, single submitter. Criteria: Invitae Variant Classification Sherloc (09022015). Collection method: clinical testing. Allele origin: germline.
Comment: This sequence change replaces valine, which is neutral and non-polar, with methionine, which is neutral and non-polar, at codon 593 of the EVC protein (p.Val593Met). This variant is present in population databases (rs150535483, gnomAD 0.05%). This variant has not been reported in the literature in individuals affected with EVC-related conditions. ClinVar contains an entry for this variant (Variation ID: 811749). Algorithms developed to predict the effect of missense changes on protein structure and function are either unavailable or do not agree on the potential impact of this missense change (SIFT: "Deleterious"; PolyPhen-2: "Possibly Damaging"; Align-GVGD: "Class C0"). Algorithms developed to predict the effect of sequence changes on RNA splicing suggest that this variant may create or strengthen a splice site. In summary, the available evidence is currently insufficient to determine the role of this variant in disease. Therefore, it has been classified as a Variant of Uncertain Significance.

ARUP Laboratories, Molecular Genetics and Genomics, ARUP Laboratories
Classification: Uncertain significance. Last evaluated: 2018-09-05. Review status: criteria provided, single submitter. Criteria: ARUP Molecular Germline Variant Investigation Process. Collection method: clinical testing. Allele origin: germline.
Comment: The EVC c.1777G>A; p.Val593Met variant (rs150535483), to our knowledge, is not reported in the medical literature or gene specific databases. This variant is found on eight chromosomes in the Genome Aggregation Database, indicating it is not a common polymorphism. The valine at codon 593 is moderately conserved and computational analyses (SIFT, PolyPhen-2) predict that this variant is deleterious. Additionally, this variant may impact splicing by weakening the nearby canonical splice acceptor site of exon 13, though mRNA studies would be required to confirm this. Given the lack of clinical and functional data, the significance of the p.Val593Met variant is uncertain at this time.

Juno Genomics, Hangzhou Juno Genomics, Inc
Classification: Uncertain significance for Curry-Hall syndrome; Ellis-van Creveld syndrome. Review status: criteria provided, single submitter. Criteria: ACMG Guidelines, 2015. Collection method: clinical testing. Allele origin: germline.
Comment: Absent from controls (or at extremely low frequency if recessive) in Genome Aggregation Database.;Multiple lines of computational evidence support a deleterious effect on the gene or gene product.

Natera, Inc.
Classification: Uncertain significance for Ellis-van Creveld syndrome. Last evaluated: 2020-09-16. Review status: no assertion criteria provided. Collection method: clinical testing. Allele origin: germline. Not counted in ClinVar's aggregate classification.